The following is an entry in ClinVar:

ClinVar aggregate classification (germline): Uncertain significance. Review status: criteria provided, multiple submitters, no conflicts (2 of 4 stars). 2 submissions from 2 submitters: Uncertain significance (2). Last evaluated 2022-03-19.

Submissions (2):

Labcorp Genetics (formerly Invitae), Labcorp
Classification: Uncertain significance. Last evaluated: 2022-03-19. Review status: criteria provided, single submitter. Criteria: Invitae Variant Classification Sherloc (09022015). Collection method: clinical testing. Allele origin: germline.
Comment: This sequence change falls in intron 11 of the COQ8A gene. It does not directly change the encoded amino acid sequence of the COQ8A protein. It affects a nucleotide within the consensus splice site. This variant is present in population databases (rs759513515, gnomAD 0.003%). In summary, the available evidence is currently insufficient to determine the role of this variant in disease. Therefore, it has been classified as a Variant of Uncertain Significance. Variants that disrupt the consensus splice site are a relatively common cause of aberrant splicing (PMID: 17576681, 9536098). Algorithms developed to predict the effect of sequence changes on RNA splicing suggest that this variant may create or strengthen a splice site. ClinVar contains an entry for this variant (Variation ID: 214047). This variant has not been reported in the literature in individuals affected with COQ8A-related conditions.

GeneDx
Classification: Uncertain significance. Last evaluated: 2013-11-12. Review status: criteria provided, single submitter. Criteria: GeneDx Variant Classification (06012015). Collection method: clinical testing. Allele origin: germline. Affected: yes.
Comment: A variant of unknown significance has been identified in the ADCK3 gene. The c.1398+(3_6)delTTGT sequence change has not been published as a mutation, nor has it been reported as a benign polymorphism to our knowledge. A nucleotide substitution at a neighboring position (c.1398+2 T>C) has been reported as pathogenic according to the Human Gene Mutation Database. Multiple in-silico splice prediction models predict that c.1398+(3_6)delTTGT damages the natural splice donor site in intron 11, which would be expected to lead to abnormal gene splicing. However, the true effect of c.1398+(3_6)delTTGT in vivo in not known. Therefore, based on the currently available information, it is unclear whether c.1398+(3_6)delTTGT is a pathogenic variant or a rare benign variant.

Literature cited by the submitters: PubMed 17576681 (cited by Labcorp Genetics (formerly Invitae), Labcorp); PubMed 9536098 (cited by Labcorp Genetics (formerly Invitae), Labcorp).

NM_020247.5(COQ8A):c.1398+3_1398+6del

Gene: COQ8A (coenzyme Q8A; plus strand). Cytogenetic location: 1q42.13.
Variant type: Deletion.
Coding change: c.1398+3_1398+6del on transcript NM_020247.5 (MANE Select); bases 3 to 6 of the intron after coding-DNA position 1398, 4 bases deleted (TTGT; older notation c.1398+3_1398+6delTTGT).
Molecular consequence: splice donor variant.
Genome position (GRCh38, 1-based): chr1:226,984,238-226,984,241, TTGT deleted; deleting any 4 consecutive bases within chr1:226,984,236-226,984,241 gives the same sequence; the c. name uses the placement nearest the transcript's 3' end. VCF-style (leftmost placement, unchanged base first): chr1-226984235-GGTTT-G. GRCh37 (hg19) VCF-style: chr1-227171936-GGTTT-G.
Other names: c.1398+3_1398+6delTTGT (NM_020247.4).
Identifiers: ClinVar variation 214047 (VCV000214047.6), dbSNP rs863223886, ClinGen allele CA322289.